The following is an entry in ClinVar:

ClinVar aggregate classification (germline): Uncertain significance (1 of 4 stars; one submission).

Conditions:
Catecholaminergic polymorphic ventricular tachycardia 1. Also called: VENTRICULAR TACHYCARDIA, CATECHOLAMINERGIC POLYMORPHIC, 1, WITH OR WITHOUT ATRIAL DYSFUNCTION AND/OR DILATED CARDIOMYOPATHY; VENTRICULAR TACHYCARDIA, STRESS-INDUCED POLYMORPHIC 1; RYR2-Related Catecholaminergic Polymorphic Ventricular Tachycardia. Identifiers: Orphanet 3286, MedGen C1631597, MONDO:0011484, OMIM 604772.

Submission:

Labcorp Genetics (formerly Invitae), Labcorp
Classification: Uncertain significance for Catecholaminergic polymorphic ventricular tachycardia 1. Last evaluated: 2024-09-23. Review status: criteria provided, single submitter. Criteria: Invitae Variant Classification Sherloc (09022015). Collection method: clinical testing. Allele origin: germline.
Comment: This sequence change replaces lysine, which is basic and polar, with arginine, which is basic and polar, at codon 1840 of the RYR2 protein (p.Lys1840Arg). This variant is not present in population databases (gnomAD no frequency). This variant has not been reported in the literature in individuals affected with RYR2-related conditions. Invitae Evidence Modeling of protein sequence and biophysical properties (such as structural, functional, and spatial information, amino acid conservation, physicochemical variation, residue mobility, and thermodynamic stability) indicates that this missense variant is not expected to disrupt RYR2 protein function with a negative predictive value of 95%. In summary, the available evidence is currently insufficient to determine the role of this variant in disease. Therefore, it has been classified as a Variant of Uncertain Significance.

NM_001035.3(RYR2):c.5519A>G (p.Lys1840Arg)

Gene: RYR2 (ryanodine receptor 2; plus strand). Cytogenetic location: 1q43.
Variant type: single nucleotide variant.
Coding change: c.5519A>G on transcript NM_001035.3 (MANE Select); coding-DNA position 5519, A replaced by G.
Protein change: p.Lys1840Arg; replaces lysine 1840 with arginine.
Molecular consequence: missense variant.
Genome position (GRCh38, 1-based): chr1:237,614,647, A>G. VCF-style: chr1-237614647-A-G. GRCh37 (hg19) VCF-style: chr1-237777947-A-G.
Other names: short protein forms K1840R.
Identifiers: ClinVar variation 2697698 (VCV002697698.3), dbSNP rs2546796488, ClinGen allele CA345405203.
Genomic context (GRCh38, chr1:237,614,647, plus strand): 5'-CTCTCATCAAGCTTTTCTATACCCTGCTGATCATGGGCATCTTTCACAACGAGGACTTGA[A>G]GCACATCTTGCAGTTGATTGAGCCCAGTGTGTTTAAAGAAGCTGCCACTCCGGAGGAGGA-3'
Protein context (NP_001026.2, residues 1830-1850): IMGIFHNEDL[Lys1840Arg]HILQLIEPSV